The following is an entry in ClinVar:

NC_000012.11:g.(?_88470989)_(88473016_?)del

Gene: CEP290 (centrosomal protein 290; minus strand). Cytogenetic location: 12q21.32.
Variant type: Deletion.
Identifiers: ClinVar variation 1451747 (VCV001451747.6).

ClinVar aggregate classification (germline): Pathogenic (1 of 4 stars; one submission).

Conditions:
Nephronophthisis. Also called: Juvenile Nephronophthisis. Identifiers: Orphanet 655, MedGen C0687120, MONDO:0019005, HP:0000090.
Meckel-Gruber syndrome. Also called: DYSENCEPHALIA SPLANCHNOCYSTICA; GRUBER SYNDROME; Dysencephalia splachnocystica. Identifiers: Orphanet 564, MedGen C0265215, MONDO:0018921.
Joubert syndrome. Also called: CEREBELLOPARENCHYMAL DISORDER IV; JOUBERT-BOLTSHAUSER SYNDROME; Familial aplasia of the vermis. Identifiers: Orphanet 475, MedGen C5979921, MONDO:0018772.

Submission:

Labcorp Genetics (formerly Invitae), Labcorp
Classification: Pathogenic for Joubert syndrome; Meckel-Gruber syndrome; Nephronophthisis. Last evaluated: 2023-09-08. Review status: criteria provided, single submitter. Criteria: Invitae Variant Classification Sherloc (09022015). Collection method: clinical testing. Allele origin: germline.
Comment: This variant is a gross deletion of the genomic region encompassing exon(s) 39-41 of the CEP290 gene. This variant would be expected to be in-frame, preserving the integrity of the reading frame. This variant has not been reported in the literature in individuals affected with CEP290-related conditions. This variant disrupts a region of the CEP290 protein in which other variant(s) (p.Arg1752Trp) have been determined to be pathogenic (PMID: 24265693, 27032803). This suggests that this is a clinically significant region of the protein, and that variants that disrupt it are likely to be disease-causing. For these reasons, this variant has been classified as Pathogenic.

Literature cited by the submitters: PubMed 24265693; PubMed 27032803.